The following is an entry in ClinVar:

NM_003000.3(SDHB):c.380T>G (p.Ile127Ser)

Gene: SDHB (succinate dehydrogenase complex iron sulfur subunit B; minus strand). Cytogenetic location: 1p36.13.
Variant type: single nucleotide variant.
Coding change: c.380T>G on transcript NM_003000.3 (MANE Select); coding-DNA position 380, T replaced by G.
Protein change: p.Ile127Ser; replaces isoleucine 127 with serine.
Molecular consequence: missense variant.
Genome position (GRCh38, 1-based): chr1:17,028,643, A>C on the plus strand (T>G on the coding strand, the complement: SDHB is on the minus strand). VCF-style: chr1-17028643-A-C. GRCh37 (hg19) VCF-style: chr1-17355138-A-C.
Other names: short protein forms I127S.
Identifiers: ClinVar variation 183814 (VCV000183814.45), dbSNP rs786201095, ClinGen allele CA015797.

ClinVar aggregate classification (germline): Pathogenic/Likely pathogenic. Review status: criteria provided, multiple submitters, no conflicts (2 of 4 stars). 19 submissions from 19 submitters: Pathogenic (13); Likely pathogenic (5). 1 of the submissions does not count toward it. Last evaluated 2026-01-11.

Conditions:
Inherited phaeochromocytoma and paraganglioma excluding NF1.
Hereditary pheochromocytoma and paraganglioma. Also called: Hereditary Paraganglioma-Pheochromocytoma Syndromes; Hereditary paragangliomas and pheochromocytomas; Hereditary pheochromocytoma-paraganglioma. Identifiers: Orphanet 29072, MedGen C4274332, MONDO:0017366.
Gastrointestinal stromal tumor. Also called: Gastrointestinal stroma tumor; Gastrointestinal stromal tumor, somatic. Identifiers: Orphanet 44890, MedGen C0238198, MeSH D046152, MONDO:0011719, OMIM 606764, HP:0100723.
SDHB-related disorder. Also called: SDHB-related condition; SDHB-related disorders. Identifiers: MedGen CN239418.
Mitochondrial complex 2 deficiency, nuclear type 4. Also called: MITOCHONDRIAL COMPLEX II DEFICIENCY, NUCLEAR TYPE 4. Identifiers: MedGen C5543176, MONDO:0030974, OMIM 619224.
Carney-Stratakis syndrome. Also called: PARAGANGLIOMA AND GASTROINTESTINAL STROMAL TUMOR. Identifiers: Orphanet 97286, MedGen C1847319, MONDO:0011740, OMIM 606864.
Pheochromocytoma/paraganglioma syndrome 4. Also called: PARAGANGLIOMA, FAMILIAL MALIGNANT; PARAGANGLIOMAS, HEREDITARY EXTRAADRENAL; PHEOCHROMOCYTOMA, FAMILIAL EXTRAADRENAL; CAROTID BODY TUMORS AND MULTIPLE EXTRAADRENAL PHEOCHROMOCYTOMAS; SDHB-Related Hereditary Paraganglioma-Pheochromocytoma Syndrome (Paragangliomas 4); SDHB-Related Hereditary Paraganglioma-Pheochromocytoma Syndrome. Identifiers: Orphanet 29072, MedGen C1861848, MONDO:0007273, OMIM 115310.
Carney triad. Also called: GASTRIC LEIOMYOSARCOMA, PULMONARY CHONDROMA, AND EXTRAADRENAL PARAGANGLIOMA. Identifiers: Orphanet 139411, MedGen C1858592, MONDO:0011424, OMIM 604287.
Pheochromocytoma. Also called: MAX-Related Hereditary Paraganglioma-Pheochromocytoma Syndrome. Identifiers: Orphanet 29072, MedGen C0031511, MONDO:0008233, OMIM 171300, HP:0002666.
Hereditary cancer-predisposing syndrome. Also called: Tumor predisposition; Neoplastic Syndromes, Hereditary; Hereditary neoplastic syndrome; Hereditary Cancer Syndrome. Identifiers: Orphanet 140162, MedGen C0027672, MeSH D009386, MONDO:0015356.

Allele frequency attached by ClinVar (database versions not stated): gnomAD exomes 0.00001.
gnomAD v4.1: 11 of 1,614,148 alleles (0.00068%); highest among the groups gnomAD compares: Non-Finnish European, 0.00093%; no homozygotes.

Submissions 1 to 6 of 19:

Labcorp Genetics (formerly Invitae), Labcorp
Classification: Pathogenic for Gastrointestinal stromal tumor; Pheochromocytoma/paraganglioma syndrome 4; Pheochromocytoma. Last evaluated: 2026-01-11. Review status: criteria provided, single submitter. Criteria: Invitae Variant Classification Sherloc (09022015). Collection method: clinical testing. Allele origin: germline.
Comment: This sequence change replaces isoleucine, which is neutral and non-polar, with serine, which is neutral and polar, at codon 127 of the SDHB protein (p.Ile127Ser). This variant is present in population databases (rs786201095, gnomAD 0.003%). This missense change has been observed in individuals with paraganglioma, metastatic paraganglioma, pheochromocytoma, and gastrointestinal stromal tumor (PMID: 15987702, 16317055, 16912137, 16916404, 17200167, 19001511, 19215943, 19802898, 21820839, 23282968, 25683602). It has also been observed to segregate with disease in related individuals. ClinVar contains an entry for this variant (Variation ID: 183814). Invitae Evidence Modeling of protein sequence and biophysical properties (such as structural, functional, and spatial information, amino acid conservation, physicochemical variation, residue mobility, and thermodynamic stability) indicates that this missense variant is expected to disrupt SDHB protein function with a positive predictive value of 80%. Experimental studies have shown that this missense change does not substantially affect SDHB function (PMID: 25972245). RNA analysis performed to evaluate the impact of this missense change on mRNA splicing indicates it does not significantly alter splicing (internal data). For these reasons, this variant has been classified as Pathogenic.

NHS Central & South Genomic Laboratory Hub
Classification: Pathogenic for Inherited phaeochromocytoma and paraganglioma excluding NF1. Last evaluated: 2025-10-21. Review status: criteria provided, single submitter. Criteria: ACMG Guidelines, 2015. Collection method: clinical testing. Allele origin: germline. Affected: yes.

GeneDx
Classification: Pathogenic. Last evaluated: 2025-07-02. Review status: criteria provided, single submitter. Criteria: GeneDx Variant Classification Process June 2021. Collection method: clinical testing. Allele origin: germline. Affected: yes.
Comment: Published functional studies are inconclusive: enzymatic activity and mitochondrial SDH assembly similar to wild-type; elevated levels of succinate or loss of SDHB on immunohistochemistry suggesting an alternate method of pathogenicity (PMID: 25972245, 28070496, 15987702); In silico analysis supports that this missense variant has a deleterious effect on protein structure/function; Not observed at significant frequency in large population cohorts (gnomAD); This variant is associated with the following publications: (PMID: 26916530, 19215943, 25394176, 15987702, 17667967, 24886695, 25972245, 21820839, 16912137, 19802898, 17200167, 25014000, 25683602, 16317055, 16916404, 25371406, 19001511, 28070496, 28738844, 28374168, 29386252, 28973655, 23083876, 28152038, 30728895, 30303539, 23282968, 30050099, 31447099, 30787465, 32741965, 33087929, 34906457, 32782288, 34308366, 35668420, 37688579)

Ambry Genetics
Classification: Pathogenic for Hereditary cancer-predisposing syndrome. Last evaluated: 2025-06-10. Review status: criteria provided, single submitter. Criteria: Ambry Variant Classification Scheme 2023. Collection method: clinical testing. Allele origin: germline.
Comment: The p.I127S pathogenic mutation (also known as c.380T>G), located in coding exon 4 of the SDHB gene, results from a T to G substitution at nucleotide position 380. The isoleucine at codon 127 is replaced by serine, an amino acid with dissimilar properties. This mutation is located in the iron-sulphur cluster binding domain of SDHB. One study detected this mutation in the germline of an individual with a history of paraganglioma; DNA analysis of the paraganglioma tumor identified a deletion of 1p encompassing the SDHB locus (Pollard PJ et al. Hum. Mol. Genet. 2005 Aug;14:2231-9). This variant has been reported in numerous individuals with paraganglioma, pheochromocytoma, and/or gastrointestinal stromal tumor (GIST) (Benn DE et al. J. Clin. Endocrinol. Metab. 2006 Mar;91:827-36; Brouwers FM et al. J. Clin. Endocrinol. Metab. 2006 Nov;91:4505-9; Collins N and Dietzek A J. Vasc. Surg. 2012 Jan;55:216-9; Miettinen M et al. Am. J. Surg. Pathol. 2013 Feb;37:234-40; Jochmanova I et al. J. Cancer Res. Clin. Oncol. 2017 Aug;143:1421-1435; Andrews KA et al. J. Med. Genet. 2018 Jun;55(6):384-394). This amino acid position is highly conserved in available vertebrate species. In addition, this alteration is predicted to be deleterious by in silico analysis. Based on the supporting evidence, this alteration is interpreted as a disease-causing mutation.

Quest Diagnostics Nichols Institute San Juan Capistrano
Classification: Likely pathogenic. Last evaluated: 2024-11-15. Review status: criteria provided, single submitter. Criteria: Quest Diagnostics criteria. Collection method: clinical testing. Allele origin: unknown.
Comment: The SDHB c.380T>G (p.Ile127Ser) variant has been reported in the published literature in multiple individuals affected with paragangliomas, pheochromocytomas, and/or gastrointestinal stromal tumors (PMID: 16317055 (2006), 16912137 (2006), 19215943 (2009), 21820839 (2012), 25683602 (2015), 28374168 (2017), 29386252 (2018), 30050099 (2019), 31308404 (2019), 34308366 (2021), 34906457 (2023)). Assessment of experimental evidence regarding the effect of this variant on protein function is inconclusive (PMID: 15987702 (2005), 25972245 (2015), 28070496 (2017), 28738844 (2017)). The frequency of this variant in the general population, 0.000026 (3/113740 chromosomes (Genome Aggregation Database)), is uninformative in the assessment of its pathogenicity. Analysis of this variant using bioinformatics tools for the prediction of the effect of amino acid changes on protein structure and function yielded predictions that this variant is damaging. Based on the available information, this variant is classified as likely pathogenic.

All of Us Research Program, National Institutes of Health
Classification: Pathogenic for Hereditary pheochromocytoma and paraganglioma. Last evaluated: 2024-07-29. Review status: criteria provided, single submitter. Criteria: ACMG Guidelines, 2015. Collection method: clinical testing. Allele origin: germline. Inheritance: Autosomal dominant inheritance. Observed: 2 variant alleles, 2 heterozygotes.
Comment: This missense variant replaces isoleucine with serine at codon 127 of the SDHB protein. Computational prediction suggests that this variant may have deleterious impact on protein structure and function (internally defined REVEL score threshold >= 0.7, PMID: 27666373). Functional studies do not support pathogenicity, but may not be measuring the deficiency associated with this ferredoxin domain variant (PMID: 15987702, 25972245, 28070496, 28738844). This variant has been reported in numerous individuals affected with paraganglioma and pheochromocytoma in the literature (PMID: 15987702, 16317055, 16912137,16916404,17200167, 17667967,19001511,19802898, 21820839, 23282968, 25371406, 25683602, 28374168, 29386252). The variant has also been observed to segregate or occur in a familial context in several of these families (PMID: 16916404, 16317055, 25683602, 28374168, 29386252). This variant has been identified in 3/251458 chromosomes in the general population by the Genome Aggregation Database (gnomAD). Based on the available evidence, this variant is classified as Pathogenic.

This study involves interpretation of variants in research participants for the purpose of population health screening. Participant phenotype was not available at the time of variant classification. Additional details can be found in publication PMID: 35346344, PMCID: PMC8962531